The following is an entry in ClinVar:

ClinVar aggregate classification (germline): Uncertain significance (1 of 4 stars; one submission).

Submission:

Labcorp Genetics (formerly Invitae), Labcorp
Classification: Uncertain significance. Last evaluated: 2025-08-07. Review status: criteria provided, single submitter. Criteria: Invitae Variant Classification Sherloc (09022015). Collection method: clinical testing. Allele origin: germline.
Comment: This sequence change replaces isoleucine, which is neutral and non-polar, with lysine, which is basic and polar, at codon 437 of the IL23R protein (p.Ile437Lys). This variant is not present in population databases (gnomAD no frequency). This variant has not been reported in the literature in individuals affected with IL23R-related conditions. An algorithm developed to predict the effect of missense changes on protein structure and function (PolyPhen-2) suggests that this variant is likely to be disruptive. In summary, the available evidence is currently insufficient to determine the role of this variant in disease. Therefore, it has been classified as a Variant of Uncertain Significance.

NM_144701.3(IL23R):c.1310T>A (p.Ile437Lys)

Gene: IL23R (interleukin 23 receptor; plus strand). Cytogenetic location: 1p31.3.
Variant type: single nucleotide variant.
Coding change: c.1310T>A on transcript NM_144701.3 (MANE Select); coding-DNA position 1310, T replaced by A.
Protein change: p.Ile437Lys; replaces isoleucine 437 with lysine.
Molecular consequence: missense variant.
Genome position (GRCh38, 1-based): chr1:67,258,548, T>A. VCF-style: chr1-67258548-T-A. GRCh37 (hg19) VCF-style: chr1-67724231-T-A.
Other names: short protein forms I437K.
Identifiers: ClinVar variation 4725004 (VCV004725004.1).